The following is an entry in ClinVar:

ClinVar aggregate classification (germline): Pathogenic (1 of 4 stars; one submission).

Submission:

Illumina Laboratory Services, Illumina
Classification: Pathogenic. Last evaluated: 2019-04-22. Review status: criteria provided, single submitter. Criteria: ICSL CNVClassificationCriteria Jul2020Prior. Collection method: clinical testing. Allele origin: unknown.
Comment: This CNV is a 6.2 Mb deletion of 6q23.2-q24.1 on chromosome 6, (seq[GRCh37]del(6)(q23.2q24.1); chr6:g.133810210_140046615del), and was found in a de novo state. This CNV constitutes a loss encompassing 59 genes, including the EYA4 gene, which is associated with autosomal dominant sensorineural hearing loss (SchÃ¶nberger et al. 2005; Hildebrand et al. 2007). The CNV also includes the CITED2 gene, which has limited evidence for association with cardiac defects (Sperling et al. 2005). The mouse knockout model for Cited2-/- resulted in embryonic or perinatal lethality with cardiac malformations, adrenal agenesis, abnormal cranial ganglia, and exencephaly in the embryos (Bamforth et al. 2001). A few pathogenic CNVs overlapping with the region of interest have been reported by ClinGen and DECIPHER, including a de novo 1.18 Mb deletion that is completely contained within this CNV, with features of abnormal heart morphology, developmental delay, intrauterine growth retardation, microcephaly and muscular hypotonia. This CNV has not been reported in controls. Based on the collective evidence, this CNV is classified as pathogenic.

Literature cited by the submitters: PubMed 11694877; PubMed 15735644; PubMed 16287139; PubMed 17568404; PubMed 19576303.

GRCh37/hg19 6q23.2-24.1(chr6:133810210-140046615)x1

Genes: ALDH8A1 (aldehyde dehydrogenase 8 family member A1; minus strand), ARFGEF3 (ARFGEF family member 3; plus strand), HECA (hdc homolog, cell cycle regulator; plus strand), IFNGR1 (interferon gamma receptor 1; minus strand), IL20RA (interleukin 20 receptor subunit alpha; minus strand) and 29 more. Cytogenetic location: 6q23.2-24.1.
Variant type: copy number loss.
Change: copy number 1 (one copy instead of two) of chr6:133,810,210-140,046,615 (6.24 Mb, GRCh37 coordinates, 1-based), cytogenetic band 6q23.2-24.1.
Identifiers: ClinVar variation 1180549 (VCV001180549.4).